The following is an entry in ClinVar:

NM_003791.4(MBTPS1):c.2035G>A (p.Gly679Arg)

Gene: MBTPS1 (membrane bound transcription factor peptidase, site 1; minus strand). Cytogenetic location: 16q23.3.
Variant type: single nucleotide variant.
Coding change: c.2035G>A on transcript NM_003791.4 (MANE Select); coding-DNA position 2035, G replaced by A.
Protein change: p.Gly679Arg; replaces glycine 679 with arginine.
Molecular consequence: missense variant.
Genome position (GRCh38, 1-based): chr16:84,068,375, C>T on the plus strand (G>A on the coding strand, the complement: MBTPS1 is on the minus strand). VCF-style: chr16-84068375-C-T. GRCh37 (hg19) VCF-style: chr16-84101980-C-T.
Other names: short protein forms G679R.
Identifiers: ClinVar variation 2420345 (VCV002420345.6), dbSNP rs777854307, ClinGen allele CA8201085.

ClinVar aggregate classification (germline): Uncertain significance (1 of 4 stars; one submission).

Allele frequency attached by ClinVar (database versions not stated): TOPMed below 0.00001; gnomAD 0.00001; ExAC 0.00003.
gnomAD v4.1: 13 of 1,614,094 alleles (0.00081%); highest among the groups gnomAD compares: South Asian, 0.0011%; no homozygotes.

Submission:

Labcorp Genetics (formerly Invitae), Labcorp
Classification: Uncertain significance. Last evaluated: 2022-02-20. Review status: criteria provided, single submitter. Criteria: Invitae Variant Classification Sherloc (09022015). Collection method: clinical testing. Allele origin: germline.
Comment: This sequence change replaces glycine, which is neutral and non-polar, with arginine, which is basic and polar, at codon 679 of the MBTPS1 protein (p.Gly679Arg). This variant is present in population databases (rs777854307, gnomAD 0.009%). This variant has not been reported in the literature in individuals affected with MBTPS1-related conditions. Algorithms developed to predict the effect of missense changes on protein structure and function are either unavailable or do not agree on the potential impact of this missense change (SIFT: "Tolerated"; PolyPhen-2: "Possibly Damaging"; Align-GVGD: "Class C0"). In summary, the available evidence is currently insufficient to determine the role of this variant in disease. Therefore, it has been classified as a Variant of Uncertain Significance.